The following is an entry in ClinVar:

ClinVar aggregate classification (germline): Benign/Likely benign. Review status: criteria provided, multiple submitters, no conflicts (2 of 4 stars). 6 submissions from 6 submitters: Benign (1); Likely benign (5). Last evaluated 2025-10-13.

Conditions:
Cardiovascular phenotype. Identifiers: MedGen CN230736.
Cardiomyopathy (CMYO). Also called: Cardiomyopathies. Identifiers: Orphanet 167848, MedGen C0878544, MONDO:0004994, HP:0001638. Inheritance: Various modes of inheritance.
Catecholaminergic polymorphic ventricular tachycardia 1. Also called: VENTRICULAR TACHYCARDIA, STRESS-INDUCED POLYMORPHIC 1; RYR2-Related Catecholaminergic Polymorphic Ventricular Tachycardia; VENTRICULAR TACHYCARDIA, CATECHOLAMINERGIC POLYMORPHIC, 1, WITH OR WITHOUT ATRIAL DYSFUNCTION AND/OR DILATED CARDIOMYOPATHY. Identifiers: Orphanet 3286, MedGen C1631597, MONDO:0011484, OMIM 604772.

Allele frequency attached by ClinVar (database versions not stated): gnomAD 0.00001; gnomAD exomes 0.00003 and 0.00011; TOPMed 0.00005; ExAC 0.00013.
gnomAD v4.1: 43 of 1,613,922 alleles (0.0027%); highest among the groups gnomAD compares: Admixed American, 0.052%; no homozygotes.

Submissions (6):

Labcorp Genetics (formerly Invitae), Labcorp
Classification: Benign for Catecholaminergic polymorphic ventricular tachycardia 1. Last evaluated: 2025-10-13. Review status: criteria provided, single submitter. Criteria: Invitae Variant Classification Sherloc (09022015). Collection method: clinical testing. Allele origin: germline.

CeGaT Center for Human Genetics Tuebingen
Classification: Likely benign. Last evaluated: 2023-06-01. Review status: criteria provided, single submitter. Criteria: CeGaT Center For Human Genetics Tuebingen Variant Classification Criteria Version 2. Collection method: clinical testing. Allele origin: germline. Affected: yes. Observed: 2 variant alleles.
Comment: RYR2: BP4, BS2

Color Diagnostics, LLC DBA Color Health
Classification: Likely benign for Cardiomyopathy. Last evaluated: 2019-06-18. Review status: criteria provided, single submitter. Criteria: ACMG Guidelines, 2015. Collection method: clinical testing. Allele origin: germline.

Ambry Genetics
Classification: Likely benign for Cardiovascular phenotype. Last evaluated: 2015-10-02. Review status: criteria provided, single submitter. Criteria: Ambry Variant Classification Scheme 2023. Collection method: clinical testing. Allele origin: germline.

Laboratory for Molecular Medicine, Mass General Brigham Personalized Medicine
Classification: Likely benign. Last evaluated: 2012-07-31. Review status: criteria provided, single submitter. Criteria: LMM Criteria. Collection method: clinical testing. Allele origin: germline. Observed: 1 variant allele.
Comment: Ser1712Ser in exon 37 of RYR2: This variant is not expected to have clinical sig nificance because it does not alter an amino acid residue and is not located wit hin the splice consensus sequence. Ser1712Ser in exon 37 of RYR2 (allele frequ ency = n/a)

Breakthrough Genomics
Classification: Likely benign. Review status: criteria provided, single submitter. Criteria: ACMG Guidelines, 2015. Collection method: not provided. Allele origin: germline. Inheritance: Autosomal dominant inheritance. Affected: yes.

NM_001035.3(RYR2):c.5136C>T (p.Ser1712=)

Gene: RYR2 (ryanodine receptor 2; plus strand). Cytogenetic location: 1q43.
Variant type: single nucleotide variant.
Coding change: c.5136C>T on transcript NM_001035.3 (MANE Select); coding-DNA position 5136, C replaced by T.
Protein change: p.Ser1712=; no amino-acid change (serine 1712 retained).
Molecular consequence: synonymous variant.
Genome position (GRCh38, 1-based): chr1:237,614,264, C>T. VCF-style: chr1-237614264-C-T. GRCh37 (hg19) VCF-style: chr1-237777564-C-T.
Identifiers: ClinVar variation 43802 (VCV000043802.50), dbSNP rs397516540, ClinGen allele CA009789.